The following is an entry in ClinVar:

NM_024529.5(CDC73):c.148C>G (p.Gln50Glu)

Gene: CDC73 (cell division cycle 73; plus strand). Cytogenetic location: 1q31.2.
Variant type: single nucleotide variant.
Coding change: c.148C>G on transcript NM_024529.5 (MANE Select); coding-DNA position 148, C replaced by G.
Protein change: p.Gln50Glu; replaces glutamine 50 with glutamic acid.
Molecular consequence: missense variant.
Genome position (GRCh38, 1-based): chr1:193,125,128, C>G. VCF-style: chr1-193125128-C-G. GRCh37 (hg19) VCF-style: chr1-193094258-C-G.
Other names: c.148C>G (NM_024529.4); short protein forms Q50E.
Identifiers: ClinVar variation 1440445 (VCV001440445.9), dbSNP rs2103113904, ClinGen allele CA343973062.

ClinVar aggregate classification (germline): Uncertain significance. Review status: criteria provided, multiple submitters, no conflicts (2 of 4 stars). 2 submissions from 2 submitters: Uncertain significance (2). Last evaluated 2026-05-02.

Conditions:
Parathyroid carcinoma (PRTC). Also called: Parathyroid gland carcinoma; CDC73-Related Parathyroid Carcinoma. Identifiers: Orphanet 143, MedGen C0687150, MONDO:0012004, OMIM 608266, HP:0006780.
Hereditary cancer-predisposing syndrome. Also called: Tumor predisposition; Neoplastic Syndromes, Hereditary; Hereditary Cancer Syndrome; Hereditary neoplastic syndrome. Identifiers: Orphanet 140162, MedGen C0027672, MeSH D009386, MONDO:0015356.

Submissions (2):

Ambry Genetics
Classification: Uncertain significance for Hereditary cancer-predisposing syndrome. Last evaluated: 2026-05-02. Review status: criteria provided, single submitter. Criteria: Ambry Variant Classification Scheme 2023. Collection method: clinical testing. Allele origin: germline.
Comment: The p.Q50E variant (also known as c.148C>G), located in coding exon 2 of the CDC73 gene, results from a C to G substitution at nucleotide position 148. The glutamine at codon 50 is replaced by glutamic acid, an amino acid with highly similar properties. This amino acid position is conserved. In addition, this alteration is predicted to be tolerated by in silico analysis. Based on the available evidence, the clinical significance of this variant remains unclear.

Labcorp Genetics (formerly Invitae), Labcorp
Classification: Uncertain significance for Parathyroid carcinoma. Last evaluated: 2024-10-27. Review status: criteria provided, single submitter. Criteria: Invitae Variant Classification Sherloc (09022015). Collection method: clinical testing. Allele origin: germline.
Comment: This sequence change replaces glutamine, which is neutral and polar, with glutamic acid, which is acidic and polar, at codon 50 of the CDC73 protein (p.Gln50Glu). This variant is not present in population databases (gnomAD no frequency). This variant has not been reported in the literature in individuals affected with CDC73-related conditions. ClinVar contains an entry for this variant (Variation ID: 1440445). Invitae Evidence Modeling of protein sequence and biophysical properties (such as structural, functional, and spatial information, amino acid conservation, physicochemical variation, residue mobility, and thermodynamic stability) indicates that this missense variant is not expected to disrupt CDC73 protein function with a negative predictive value of 80%. In summary, the available evidence is currently insufficient to determine the role of this variant in disease. Therefore, it has been classified as a Variant of Uncertain Significance.